The following is an entry in ClinVar:

ClinVar aggregate classification (germline): Likely pathogenic. Review status: criteria provided, multiple submitters, no conflicts (2 of 4 stars). 2 submissions from 2 submitters: Likely pathogenic (2). Last evaluated 2019-04-26.

Conditions:
Autosomal recessive limb-girdle muscular dystrophy type 2J (LGMDR10). Also called: MUSCULAR DYSTROPHY, LIMB-GIRDLE, AUTOSOMAL RECESSIVE 10; Limb-girdle muscular dystrophy, type 2J. Identifiers: Orphanet 140922, MedGen C1837342, MONDO:0012127, OMIM 608807.
Dilated cardiomyopathy 1G (CMD1G). Identifiers: Orphanet 154, MedGen C1858763, MONDO:0011400, OMIM 604145.
Primary dilated cardiomyopathy (DCM). Also called: Dilated Cardiomyopathy. Identifiers: Orphanet 217604, MedGen C0007193, MeSH D002311, MONDO:0005021, HP:0001644. Inheritance: Various modes of inheritance.

Submissions (2):

Labcorp Genetics (formerly Invitae), Labcorp
Classification: Likely pathogenic for Dilated cardiomyopathy 1G; Autosomal recessive limb-girdle muscular dystrophy type 2J. Last evaluated: 2019-04-26. Review status: criteria provided, single submitter. Criteria: Invitae Variant Classification Sherloc (09022015). Collection method: clinical testing. Allele origin: germline.
Comment: In summary, the currently available evidence indicates that the variant is pathogenic, but additional data are needed to prove that conclusively. Therefore, this variant has been classified as Likely Pathogenic. This variant is located in the A band of TTN (PMID: 25589632). Truncating variants in this region are significantly overrepresented in patients affected with dilated cardiomyopathy (PMID: 25589632). Truncating variants in this region have also been reported in individuals affected with autosomal recessive centronuclear myopathy (PMID: 23975875). This variant has not been reported in the literature in individuals with TTN-related conditions. ClinVar contains an entry for this variant (Variation ID: 506137). This variant is not present in population databases (ExAC no frequency). This sequence change results in a premature translational stop signal in the TTN gene (p.Glu17291Argfs*28). While this is not anticipated to result in nonsense mediated decay, it is expected to create a truncated TTN protein.

Laboratory for Molecular Medicine, Mass General Brigham Personalized Medicine
Classification: Likely pathogenic for Primary dilated cardiomyopathy. Last evaluated: 2017-09-11. Review status: criteria provided, single submitter. Criteria: LMM Criteria. Collection method: clinical testing. Allele origin: germline. Observed: 1 variant allele.
Comment: The p.Glu14723ArgfsX28 variant in TTN has not been previously reported in indivi duals with cardiomyopathy and was absent from large population studies. This var iant is predicted to cause a frameshift, which alters the protein?s amino acid s equence beginning at position 14723 and leads to a premature termination codon 2 7 amino acids downstream. This alteration is then predicted to lead to a truncat ed or absent protein. Frameshift and other truncating variants in TTN are strong ly associated with DCM if they impact the exons encoding for the A-band (Herman 2012, Pugh 2014) and/or are located in an exon that is highly expressed in the h eart (Roberts 2015). The p.Glu14723ArgfsX28 variant is located in A-band in the highly expressed exon 222. In summary, although additional studies are required to fully establish its clinical significance, the p.Glu14723ArgfsX28 variant is likely pathogenic.

Literature cited by the submitters: PubMed 25589632 (cited by Labcorp Genetics (formerly Invitae), Labcorp); PubMed 23975875 (cited by Labcorp Genetics (formerly Invitae), Labcorp).

NM_001267550.2(TTN):c.51870del (p.Glu17291fs)

Genes: TTN (titin; minus strand), TTN-AS1 (TTN antisense RNA 1; plus strand). Cytogenetic location: 2q31.2.
Variant type: Deletion.
Coding change: c.51870del on transcript NM_001267550.2 (MANE Select); coding-DNA position 51870, one base deleted (A; older notation c.51870delA).
Protein change: p.Glu17291fs; shifts the reading frame from glutamic acid 17291.
Molecular consequence: frameshift variant.
Genome position (GRCh38, 1-based): chr2:178,609,440, T deleted on the plus strand (A on the coding strand, the reverse complement: TTN is on the minus strand). VCF-style (leftmost placement, unchanged base first): chr2-178609439-CT-C. GRCh37 (hg19) VCF-style: chr2-179474166-CT-C.
Other names: c.44166delA (NM_133378.4); c.46947del, p.Glu15650fs (NM_001256850.1); c.24675del, p.Glu8226fs (NM_003319.4); c.44166del, p.Glu14723fs (NM_133378.4); c.25050del, p.Glu8351fs (NM_133432.3); c.25251del, p.Glu8418fs (NM_133437.4); short protein forms E15650fs, E14723fs, E17291fs, E8351fs, E8418fs, E8226fs.
Identifiers: ClinVar variation 506137 (VCV000506137.15), dbSNP rs1553691320, ClinGen allele CA658795990.